The following is an entry in ClinVar:

ClinVar aggregate classification (germline): Conflicting classifications of pathogenicity. Review status: criteria provided, conflicting classifications (1 of 4 stars). 4 submissions from 4 submitters: Uncertain significance (3); Likely benign (1). Last evaluated 2025-11-19.

Conditions:
SEPN1-related disorder. Also called: SEPN1-Related Disorders. Identifiers: MedGen CN239420.
SELENON-related disorder. Also called: SELENON-related condition.
Eichsfeld type congenital muscular dystrophy (CMYO3). Also called: MYOPATHY, SEPN1-RELATED; SELENON-related myopathy; Congenital myopathy 3 with rigid spine; Rigid spine muscular dystrophy 1. Identifiers: MedGen C0410180, MONDO:0100100, OMIM 602771.

Allele frequency attached by ClinVar (database versions not stated): gnomAD exomes 0.00009 and 0.00013; ExAC 0.00016; 1000 Genomes Project 30x 0.00031; 1000 Genomes Project 0.00040; gnomAD 0.00047 and 0.00054; TOPMed 0.00062.
gnomAD v4.1: 209 of 1,605,924 alleles (0.013%); highest among the groups gnomAD compares: African/African-American, 0.19%; no homozygotes.

Submissions (4):

PreventionGenetics, part of Exact Sciences
Classification: Likely benign for SELENON-related condition. Last evaluated: 2025-11-19. Review status: criteria provided, single submitter. Criteria: ACMG Guidelines, 2015. Collection method: clinical testing. Allele origin: germline.
Comment: This variant is classified as likely benign based on ACMG/AMP sequence variant interpretation guidelines (Richards et al. 2015 PMID: 25741868, with internal and published modifications).

Labcorp Genetics (formerly Invitae), Labcorp
Classification: Uncertain significance for Eichsfeld type congenital muscular dystrophy. Last evaluated: 2022-09-27. Review status: criteria provided, single submitter. Criteria: Invitae Variant Classification Sherloc (09022015). Collection method: clinical testing. Allele origin: germline.
Comment: This sequence change replaces glutamic acid, which is acidic and polar, with lysine, which is basic and polar, at codon 143 of the SELENON protein (p.Glu143Lys). This variant is present in population databases (rs200958015, gnomAD 0.2%). This variant has not been reported in the literature in individuals affected with SELENON-related conditions. ClinVar contains an entry for this variant (Variation ID: 297023). Algorithms developed to predict the effect of missense changes on protein structure and function (SIFT, PolyPhen-2, Align-GVGD) all suggest that this variant is likely to be disruptive. In summary, the available evidence is currently insufficient to determine the role of this variant in disease. Therefore, it has been classified as a Variant of Uncertain Significance.

GeneDx
Classification: Uncertain significance. Last evaluated: 2020-08-10. Review status: criteria provided, single submitter. Criteria: GeneDx Variant Classification Process June 2021. Collection method: clinical testing. Allele origin: germline. Affected: yes.
Comment: In silico analysis supports that this missense variant does not alter protein structure/function

Illumina Laboratory Services, Illumina
Classification: Uncertain significance for SEPN1-Related Disorders. Last evaluated: 2018-01-13. Review status: criteria provided, single submitter. Criteria: ICSL Variant Classification Criteria 13 December 2019. Collection method: clinical testing. Allele origin: germline.

NM_206926.2(SELENON):c.325G>A (p.Glu109Lys)

Gene: SELENON (selenoprotein N; plus strand). Cytogenetic location: 1p36.11.
Variant type: single nucleotide variant.
Coding change: c.325G>A on transcript NM_206926.2 (MANE Select); coding-DNA position 325, G replaced by A.
Protein change: p.Glu109Lys; replaces glutamic acid 109 with lysine.
Molecular consequence: missense variant.
Genome position (GRCh38, 1-based): chr1:25,805,165, G>A. VCF-style: chr1-25805165-G-A. GRCh37 (hg19) VCF-style: chr1-26131656-G-A.
Other names: c.427G>A, p.Glu143Lys (NM_020451.3); short protein forms E143K, E109K.
Identifiers: ClinVar variation 297023 (VCV000297023.12), dbSNP rs200958015, ClinGen allele CA696496.